The following is an entry in ClinVar:

ClinVar aggregate classification (germline): Likely benign (1 of 4 stars; one submission).

Allele frequency attached by ClinVar (database versions not stated): gnomAD exomes below 0.00001 and 0.00001; TOPMed 0.00002; gnomAD 0.00003 and 0.00004.
gnomAD v4.1: 10 of 1,459,274 alleles (0.00069%); highest among the groups gnomAD compares: African/African-American, 0.0042%; no homozygotes.

Submission:

GeneDx
Classification: Likely benign. Last evaluated: 2012-10-17. Review status: criteria provided, single submitter. Criteria: GeneDx Variant Classification (06012015). Collection method: clinical testing. Allele origin: germline. Affected: yes.
Comment: This variant is considered likely benign or benign based on one or more of the following criteria: it is a conservative change, it occurs at a poorly conserved position in the protein, it is predicted to be benign by multiple in silico algorithms, and/or has population frequency not consistent with disease.

NM_014141.6(CNTNAP2):c.-46A>T

Gene: CNTNAP2 (contactin associated protein 2; plus strand). Cytogenetic location: 7q35.
Variant type: single nucleotide variant.
Coding change: c.-46A>T on transcript NM_014141.6 (MANE Select); 46 bases upstream of the start codon, A replaced by T.
Molecular consequence: 5 prime UTR variant.
Genome position (GRCh38, 1-based): chr7:146,116,831, A>T. VCF-style: chr7-146116831-A-T. GRCh37 (hg19) VCF-style: chr7-145813923-A-T.
Identifiers: ClinVar variation 205226 (VCV000205226.1), dbSNP rs796052368, ClinGen allele CA314087.